The following is an entry in ClinVar:

NM_000548.5(TSC2):c.1982_1983delinsTT (p.Gly661Val)

Gene: TSC2 (TSC complex subunit 2; plus strand). Cytogenetic location: 16p13.3.
Variant type: Indel.
Coding change: c.1982_1983delinsTT on transcript NM_000548.5 (MANE Select); coding-DNA positions 1982 to 1983, GC replaced by TT.
Protein change: p.Gly661Val; replaces glycine 661 with valine.
Molecular consequence: missense variant.
Genome position (GRCh38, 1-based): chr16:2,071,819-2,071,820, GC replaced by TT. VCF-style: chr16-2071819-GC-TT. GRCh37 (hg19) VCF-style: chr16-2121820-GC-TT.
Other names: c.1982_1983delinsTT, p.Gly661Val (NM_001077183.3, NM_001114382.3, NM_001363528.2 and 3 more transcripts); c.1871_1872delinsTT, p.Gly624Val (NM_001318827.2); c.1835_1836delinsTT, p.Gly612Val (NM_001318829.2); c.1382_1383delinsTT, p.Gly461Val (NM_001318831.2); c.2015_2016delinsTT, p.Gly672Val (NM_001318832.2); short protein forms G461V, G624V, G661V, G672V, G612V.
Identifiers: ClinVar variation 49698 (VCV000049698.19), dbSNP rs137854103, ClinGen allele CA016394.
Genomic context (GRCh38, chr16:2,071,819, plus strand): 5'-TCAGCTGCTTCTCTTGCTTCTGCAGGGAGCCAGAGAGAGGCTCTGAGAAGAAGACCAGCG[GC>TT]CCCCTTTCTCCTCCCACAGGGCCTCCTGGCCCGGCGCCTGCAGGCCCCGCCGTGCGGCTG-3'
Protein context (NP_000539.2, residues 651-671): PERGSEKKTS[Gly661Val]PLSPPTGPPG

ClinVar aggregate classification (germline): Conflicting classifications of pathogenicity. Review status: criteria provided, conflicting classifications (1 of 4 stars). 5 submissions from 5 submitters: Uncertain significance (2); Likely benign (2). 1 of the submissions does not count toward it. Last evaluated 2025-10-20.

Conditions:
Tuberous sclerosis syndrome (TSC). Also called: Tuberous Sclerosis Complex; Tuberous sclerosis. Identifiers: Orphanet 805, MedGen C0041341, MONDO:0001734.
Hereditary cancer-predisposing syndrome. Also called: Neoplastic Syndromes, Hereditary; Tumor predisposition; Hereditary Cancer Syndrome; Hereditary neoplastic syndrome. Identifiers: Orphanet 140162, MedGen C0027672, MeSH D009386, MONDO:0015356.
Tuberous sclerosis 2 (TSC2). Identifiers: Orphanet 805, MedGen C1860707, MONDO:0013199, OMIM 613254.

Submissions (5):

Ambry Genetics
Classification: Likely benign for Hereditary cancer-predisposing syndrome. Last evaluated: 2025-10-20. Review status: criteria provided, single submitter. Criteria: Ambry Variant Classification Scheme 2023. Collection method: clinical testing. Allele origin: germline.

Labcorp Genetics (formerly Invitae), Labcorp
Classification: Likely benign for Tuberous sclerosis 2. Last evaluated: 2025-08-03. Review status: criteria provided, single submitter. Criteria: Invitae Variant Classification Sherloc (09022015). Collection method: clinical testing. Allele origin: germline.

Genome-Nilou Lab
Classification: Uncertain significance for Tuberous sclerosis 2. Last evaluated: 2021-11-07. Review status: criteria provided, single submitter. Criteria: ACMG Guidelines, 2015. Collection method: clinical testing. Allele origin: germline. Affected: no.

GeneDx
Classification: Uncertain significance. Last evaluated: 2019-12-13. Review status: criteria provided, single submitter. Criteria: GeneDx Variant Classification Process June 2021. Collection method: clinical testing. Allele origin: germline. Affected: yes.
Comment: Not observed in large population cohorts (Lek 2016); In silico analysis, which includes protein predictors and evolutionary conservation, supports a deleterious effect; Published functional studies demonstrate no damaging effect: immunoblot expression assay comparable to wild type (Hoogeveen-Westerveld 2013); This variant is associated with the following publications: (PMID: 22903760)

Tuberous sclerosis database (TSC2)
No classification provided. Condition: TSC. Review status: no classification provided. Criteria: Tuberous Sclerosis Database Assertion Criteria 2015. Collection method: curation. Allele origin: germline. Affected: yes. Not counted in ClinVar's aggregate classification.

Literature cited by the submitters: PubMed 22903760 (cited by Ambry Genetics).